The following is an entry in ClinVar:

NM_001039141.3(TRIOBP):c.3810C>T (p.Tyr1270=)

Gene: TRIOBP (TRIO and F-actin binding protein; plus strand). Cytogenetic location: 22q13.1.
Variant type: single nucleotide variant.
Coding change: c.3810C>T on transcript NM_001039141.3 (MANE Select); coding-DNA position 3810, C replaced by T.
Protein change: p.Tyr1270=; no amino-acid change (tyrosine 1270 retained).
Molecular consequence: synonymous variant.
Genome position (GRCh38, 1-based): chr22:37,726,366, C>T. VCF-style: chr22-37726366-C-T. GRCh37 (hg19) VCF-style: chr22-38122373-C-T.
Identifiers: ClinVar variation 2653122 (VCV002653122.24), dbSNP rs769876154, ClinGen allele CA10224221.

ClinVar aggregate classification (germline): Likely benign (1 of 4 stars; one submission).

Allele frequency attached by ClinVar (database versions not stated): gnomAD exomes below 0.00001; ExAC 0.00001; gnomAD 0.00001.
gnomAD v4.1: 9 of 1,603,750 alleles (0.00056%); highest among the groups gnomAD compares: Middle Eastern, 0.033%; no homozygotes.

Submission:

CeGaT Center for Human Genetics Tuebingen
Classification: Likely benign. Last evaluated: 2023-07-01. Review status: criteria provided, single submitter. Criteria: CeGaT Center For Human Genetics Tuebingen Variant Classification Criteria Version 2. Collection method: clinical testing. Allele origin: germline. Affected: yes. Observed: 1 variant allele.
Comment: TRIOBP: BP4